The following is an entry in ClinVar:

ClinVar aggregate classification (germline): Uncertain significance (1 of 4 stars; one submission).

Conditions:
Muscular dystrophy-dystroglycanopathy (congenital with brain and eye anomalies), type A, 7. Also called: WALKER-WARBURG SYNDROME OR MUSCLE-EYE-BRAIN DISEASE, ISPD-RELATED; Congenital muscular dystrophy-dystroglycanopathy with brain and eye anomalies, type A7. Identifiers: Orphanet 899, MedGen C3553330, MONDO:0013835, OMIM 614643.
Autosomal recessive limb-girdle muscular dystrophy type 2U. Also called: MUSCULAR DYSTROPHY, LIMB-GIRDLE, TYPE 2U; Muscular dystrophy-dystroglycanopathy (limb-girdle), type c, 7. Identifiers: Orphanet 352479, MedGen C5190987, MONDO:0014474, OMIM 616052.

Allele frequency attached by ClinVar (database versions not stated): TOPMed below 0.00001.

Submission:

Labcorp Genetics (formerly Invitae), Labcorp
Classification: Uncertain significance for Muscular dystrophy-dystroglycanopathy (congenital with brain and eye anomalies), type A, 7; Autosomal recessive limb-girdle muscular dystrophy type 2U. Last evaluated: 2019-07-30. Review status: criteria provided, single submitter. Criteria: Invitae Variant Classification Sherloc (09022015). Collection method: clinical testing. Allele origin: germline.
Comment: In summary, the available evidence is currently insufficient to determine the role of this variant in disease. Therefore, it has been classified as a Variant of Uncertain Significance. Algorithms developed to predict the effect of missense changes on protein structure and function are either unavailable or do not agree on the potential impact of this missense change (SIFT: "Deleterious"; PolyPhen-2: "Possibly Damaging"; Align-GVGD: "Class C0"). This variant has not been reported in the literature in individuals with ISPD-related conditions. This variant is not present in population databases (ExAC no frequency). This sequence change replaces methionine with isoleucine at codon 105 of the ISPD protein (p.Met105Ile). The methionine residue is highly conserved and there is a small physicochemical difference between methionine and isoleucine.

NM_001101426.4(CRPPA):c.315G>T (p.Met105Ile)

Gene: CRPPA (CDP-L-ribitol pyrophosphorylase A; minus strand). Cytogenetic location: 7p21.2.
Variant type: single nucleotide variant.
Coding change: c.315G>T on transcript NM_001101426.4 (MANE Select); coding-DNA position 315, G replaced by T.
Protein change: p.Met105Ile; replaces methionine 105 with isoleucine.
Molecular consequence: missense variant. On other transcripts: non-coding transcript variant (1).
Genome position (GRCh38, 1-based): chr7:16,406,280, C>A on the plus strand (G>T on the coding strand, the complement: CRPPA is on the minus strand). VCF-style: chr7-16406280-C-A. GRCh37 (hg19) VCF-style: chr7-16445905-C-A.
Other names: c.315G>T, p.Met105Ile (NM_001101417.4, NM_001368197.1); short protein forms M105I.
Identifiers: ClinVar variation 844458 (VCV000844458.10), dbSNP rs1190661385, ClinGen allele CA367002782.